The following is an entry in ClinVar:

ClinVar aggregate classification (germline): Uncertain significance (1 of 4 stars; one submission).

Submission:

GeneDx
Classification: Uncertain significance. Last evaluated: 2025-03-20. Review status: criteria provided, single submitter. Criteria: GeneDx Variant Classification Process June 2021. Collection method: clinical testing. Allele origin: germline. Affected: yes.
Comment: Located in exon 38, which is reported as being expressed in a brain-specific transcript (PMID: 1830053, 18790697, 26109584); Not observed at significant frequency in large population cohorts (gnomAD); In silico analysis indicates that this missense variant does not alter protein structure/function; Has not been previously published as pathogenic or benign to our knowledge

NM_001148.6(ANK2):c.7528C>G (p.Leu2510Val)

Genes: ANK2 (ankyrin 2; plus strand), LOC126807137 (CDK7 strongly-dependent group 2 enhancer GRCh37_chr4:114276560-114277759; plus strand). Cytogenetic location: 4q26.
Variant type: single nucleotide variant.
Coding change: c.7528C>G on transcript NM_001148.6 (MANE Select); coding-DNA position 7528, C replaced by G.
Protein change: p.Leu2510Val; replaces leucine 2510 with valine.
Molecular consequence: missense variant. On other transcripts: intron variant (68).
Genome position (GRCh38, 1-based): chr4:113,356,146, C>G. VCF-style: chr4-113356146-C-G. GRCh37 (hg19) VCF-style: chr4-114277302-C-G.
Other names: c.7294C>G, p.Leu2432Val (NM_001386142.1); c.3928C>G, p.Leu1310Val (NM_001386166.1); c.7669C>G, p.Leu2557Val (NM_001386174.1); c.7645C>G, p.Leu2549Val (NM_001386175.1); c.4412-4677C>G (NM_001386186.2, NM_001386148.2); c.4214-4677C>G (NM_001354269.3); c.4292-4677C>G (NM_001386187.2); c.4253-4677C>G (NM_001386147.1); and 35 more; short protein forms L1310V, L2432V, L2510V, L2549V, L2557V.
Identifiers: ClinVar variation 4086678 (VCV004086678.1).